The following is an entry in ClinVar:

ClinVar aggregate classification (germline): Uncertain significance (1 of 4 stars; one submission).

Allele frequency attached by ClinVar (database versions not stated): gnomAD exomes below 0.00001 and 0.00001; TOPMed below 0.00001; gnomAD 0.00001.
gnomAD v4.1: 6 of 1,612,374 alleles (0.00037%); highest among the groups gnomAD compares: Non-Finnish European, 0.00051%; no homozygotes.

Submission:

Labcorp Genetics (formerly Invitae), Labcorp
Classification: Uncertain significance. Last evaluated: 2020-07-21. Review status: criteria provided, single submitter. Criteria: Invitae Variant Classification Sherloc (09022015). Collection method: clinical testing. Allele origin: germline.
Comment: In summary, the available evidence is currently insufficient to determine the role of this variant in disease. Therefore, it has been classified as a Variant of Uncertain Significance. Algorithms developed to predict the effect of missense changes on protein structure and function are either unavailable or do not agree on the potential impact of this missense change (SIFT: "Tolerated"; PolyPhen-2: "Possibly Damaging"; Align-GVGD: "Class C0"). This variant has not been reported in the literature in individuals with PITPNM3-related conditions. This sequence change replaces arginine with glycine at codon 39 of the PITPNM3 protein (p.Arg39Gly). The arginine residue is moderately conserved and there is a moderate physicochemical difference between arginine and glycine. This variant is not present in population databases (ExAC no frequency).

NM_031220.4(PITPNM3):c.115A>G (p.Arg39Gly)

Gene: PITPNM3 (PITPNM family member 3; minus strand). Cytogenetic location: 17p13.1.
Variant type: single nucleotide variant.
Coding change: c.115A>G on transcript NM_031220.4 (MANE Select); coding-DNA position 115, A replaced by G.
Protein change: p.Arg39Gly; replaces arginine 39 with glycine.
Molecular consequence: missense variant.
Genome position (GRCh38, 1-based): chr17:6,537,990, T>C on the plus strand (A>G on the coding strand, the complement: PITPNM3 is on the minus strand). VCF-style: chr17-6537990-T-C. GRCh37 (hg19) VCF-style: chr17-6441310-T-C.
Other names: c.115A>G, p.Arg39Gly (NM_001165966.2); short protein forms R39G.
Identifiers: ClinVar variation 1017285 (VCV001017285.8), dbSNP rs1215861877, ClinGen allele CA397402739.